The following is an entry in ClinVar:

ClinVar aggregate classification (germline): Likely benign. Review status: criteria provided, single submitter (1 of 4 stars). 2 submissions from 2 submitters: Likely benign (1). 1 of the submissions does not count toward it. Last evaluated 2024-08-20.

Conditions:
Bardet-Biedl syndrome (BBS). Identifiers: Orphanet 110, MedGen C0752166, MONDO:0015229.
BBS5-related disorder. Also called: BBS5-related condition.

Allele frequency attached by ClinVar (database versions not stated): ExAC 0.00001; gnomAD 0.00002; TOPMed 0.00002.
gnomAD v4.1: 21 of 1,548,424 alleles (0.0014%); highest among the groups gnomAD compares: Middle Eastern, 0.017%; no homozygotes.

Submissions (2):

Labcorp Genetics (formerly Invitae), Labcorp
Classification: Likely benign for Bardet-Biedl syndrome. Last evaluated: 2024-08-20. Review status: criteria provided, single submitter. Criteria: Invitae Variant Classification Sherloc (09022015). Collection method: clinical testing. Allele origin: germline.

PreventionGenetics, part of Exact Sciences
Classification: Likely benign for BBS5-related condition. Last evaluated: 2019-10-09. Review status: no assertion criteria provided. Collection method: clinical testing. Allele origin: germline. Not counted in ClinVar's aggregate classification.
Comment: This variant is classified as likely benign based on ACMG/AMP sequence variant interpretation guidelines (Richards et al. 2015 PMID: 25741868, with internal and published modifications).

NM_152384.3(BBS5):c.619-9T>C

Gene: BBS5 (Bardet-Biedl syndrome 5; plus strand). Cytogenetic location: 2q31.1.
Variant type: single nucleotide variant.
Coding change: c.619-9T>C on transcript NM_152384.3 (MANE Select); 9 bases into the intron before coding-DNA position 619, T replaced by C.
Molecular consequence: intron variant.
Genome position (GRCh38, 1-based): chr2:169,497,618, T>C. VCF-style: chr2-169497618-T-C. GRCh37 (hg19) VCF-style: chr2-170354128-T-C.
Other names: c.619-9T>C (NM_152384.2).
Identifiers: ClinVar variation 1125494 (VCV001125494.11), dbSNP rs755143488, ClinGen allele CA1956259.
Genomic context (GRCh38, chr2:169,497,618, plus strand): 5'-AACTGAGTTAAAGAGTCACTATTCAGTTAATAAAAACTTGCATGTTTTTCTTTTTCATTT[T>C]GTATCTAGCGTTCAATAAAGATTAGAGATTCAAAATTTGGTTTAGCTCTTGTCATAGAAA-3'